The following is an entry in ClinVar:

ClinVar aggregate classification (germline): Uncertain significance (1 of 4 stars; one submission).

Conditions:
Hereditary cancer-predisposing syndrome. Also called: Neoplastic Syndromes, Hereditary; Tumor predisposition; Hereditary Cancer Syndrome; Hereditary neoplastic syndrome. Identifiers: Orphanet 140162, MedGen C0027672, MeSH D009386, MONDO:0015356.

Submission:

Color Diagnostics, LLC DBA Color Health
Classification: Uncertain significance for Hereditary cancer-predisposing syndrome. Last evaluated: 2024-03-06. Review status: criteria provided, single submitter. Criteria: ACMG Guidelines, 2015. Collection method: clinical testing. Allele origin: germline.
Comment: This missense variant replaces alanine with threonine at codon 842 of the PALB2 protein. Computational prediction suggests that this variant may not impact protein structure and function (internally defined REVEL score threshold <= 0.5, PMID: 27666373). Splice site prediction tools suggest that this variant may not impact RNA splicing. To our knowledge, functional studies have not been reported for this variant. This variant has not been reported in individuals affected with hereditary cancer in the literature. This variant has not been identified in the general population by the Genome Aggregation Database (gnomAD). The available evidence is insufficient to determine the role of this variant in disease conclusively. Therefore, this variant is classified as a Variant of Uncertain Significance.

NM_024675.4(PALB2):c.2524G>A (p.Ala842Thr)

Gene: PALB2 (partner and localizer of BRCA2; minus strand). Cytogenetic location: 16p12.2.
Variant type: single nucleotide variant.
Coding change: c.2524G>A on transcript NM_024675.4 (MANE Select); coding-DNA position 2524, G replaced by A.
Protein change: p.Ala842Thr; replaces alanine 842 with threonine.
Molecular consequence: missense variant.
Genome position (GRCh38, 1-based): chr16:23,629,266, C>T on the plus strand (G>A on the coding strand, the complement: PALB2 is on the minus strand). VCF-style: chr16-23629266-C-T. GRCh37 (hg19) VCF-style: chr16-23640587-C-T.
Other names: short protein forms A842T.
Identifiers: ClinVar variation 919589 (VCV000919589.4), dbSNP rs1966854044, ClinGen allele CA395123849.